The following is an entry in ClinVar:

NM_012293.3(PXDN):c.3223A>G (p.Thr1075Ala)

Gene: PXDN (peroxidasin; minus strand). Cytogenetic location: 2p25.3.
Variant type: single nucleotide variant.
Coding change: c.3223A>G on transcript NM_012293.3 (MANE Select); coding-DNA position 3223, A replaced by G.
Protein change: p.Thr1075Ala; replaces threonine 1075 with alanine.
Molecular consequence: missense variant.
Genome position (GRCh38, 1-based): chr2:1,648,557, T>C on the plus strand (A>G on the coding strand, the complement: PXDN is on the minus strand). VCF-style: chr2-1648557-T-C. GRCh37 (hg19) VCF-style: chr2-1652329-T-C.
Other names: short protein forms T1075A.
Identifiers: ClinVar variation 3428618 (VCV003428618.2).

ClinVar aggregate classification (germline): Uncertain significance. Review status: criteria provided, multiple submitters, no conflicts (2 of 4 stars). 2 submissions from 2 submitters: Uncertain significance (2). Last evaluated 2025-03-03.

Conditions:
Inborn genetic diseases. Identifiers: MedGen C0950123, MeSH D030342.

gnomAD v4.1: 3 of 1,613,662 alleles (0.00019%); highest among the groups gnomAD compares: Non-Finnish European, 0.00025%; no homozygotes.

Submissions (2):

GeneDx
Classification: Uncertain significance. Last evaluated: 2025-03-03. Review status: criteria provided, single submitter. Criteria: GeneDx Variant Classification Process June 2021. Collection method: clinical testing. Allele origin: germline. Affected: yes.
Comment: Not observed at significant frequency in large population cohorts (gnomAD); In silico analysis supports that this missense variant has a deleterious effect on protein structure/function; Has not been previously published as pathogenic or benign to our knowledge

Ambry Genetics
Classification: Uncertain significance for Inborn genetic diseases. Last evaluated: 2024-08-20. Review status: criteria provided, single submitter. Criteria: Ambry Variant Classification Scheme 2023. Collection method: clinical testing. Allele origin: germline.